The following is an entry in ClinVar:

NM_022489.4(INF2):c.2900AGG[2] (p.Glu969del)

Gene: INF2 (inverted formin 2; plus strand). Cytogenetic location: 14q32.33.
Variant type: Microsatellite.
Coding change: c.2900AGG[2] on transcript NM_022489.4 (MANE Select); two copies in a row of the 3-base unit AGG starting at c.2900; the reference has three copies in a row; one copy, 3 bases deleted; also written c.2906_2908del.
Protein change: p.Glu969del; deletes glutamic acid 969.
Molecular consequence: inframe deletion. On other transcripts: inframe indel (4).
Genome position (GRCh38, 1-based): chr14:104,713,472-104,713,474, AGG deleted; deleting any 3 consecutive bases within chr14:104,713,466-104,713,474 gives the same sequence; the position shown is the placement nearest the transcript's 3' end. VCF-style (leftmost placement, unchanged base first): chr14-104713465-CAGG-C. GRCh37 (hg19) VCF-style: chr14-105179802-CAGG-C.
Other names: c.2906_2908del (NM_022489.3); c.2900AGG[2], p.Glu969del (NM_001031714.4); c.2900_2902AGG[2], p.Glu969del (NM_001426862.1, NM_001426863.1, NM_001426864.1 and 1 more transcripts); short protein forms E969del.
Identifiers: ClinVar variation 2938778 (VCV002938778.4), dbSNP rs778576384, ClinGen allele CA7373129.

ClinVar aggregate classification (germline): Uncertain significance. Review status: criteria provided, multiple submitters, no conflicts (2 of 4 stars). 2 submissions from 2 submitters: Uncertain significance (2). Last evaluated 2025-01-08.

Conditions:
Charcot-Marie-Tooth disease dominant intermediate E. Also called: CHARCOT-MARIE-TOOTH NEUROPATHY WITH FOCAL SEGMENTAL GLOMERULONEPHRITIS. Identifiers: Orphanet 93114, MedGen C4302667, MONDO:0013758, OMIM 614455.
Focal segmental glomerulosclerosis 5 (FSGS5). Identifiers: Orphanet 656, MedGen C2750475, MONDO:0013191, OMIM 613237.

Submissions (2):

GeneDx
Classification: Uncertain significance. Last evaluated: 2025-01-08. Review status: criteria provided, single submitter. Criteria: GeneDx Variant Classification Process June 2021. Collection method: clinical testing. Allele origin: germline. Affected: yes.
Comment: Not observed at significant frequency in large population cohorts (gnomAD); In-frame deletion of 1 amino acid(s) in a non-repeat region; In silico analysis supports a deleterious effect on protein structure/function; In silico analysis is inconclusive as to whether the variant alters gene splicing. In the absence of RNA/functional studies, the actual effect of this sequence change is unknown.; Has not been previously published as pathogenic or benign to our knowledge

Labcorp Genetics (formerly Invitae), Labcorp
Classification: Uncertain significance for Charcot-Marie-Tooth disease dominant intermediate E; Focal segmental glomerulosclerosis 5. Last evaluated: 2023-07-07. Review status: criteria provided, single submitter. Criteria: Invitae Variant Classification Sherloc (09022015). Collection method: clinical testing. Allele origin: germline.
Comment: In summary, the available evidence is currently insufficient to determine the role of this variant in disease. Therefore, it has been classified as a Variant of Uncertain Significance. Experimental studies and prediction algorithms are not available or were not evaluated, and the functional significance of this variant is currently unknown. This variant has not been reported in the literature in individuals affected with INF2-related conditions. This variant is present in population databases (rs778576384, gnomAD 0.002%). This variant, c.2906_2908del, results in the deletion of 1 amino acid(s) of the INF2 protein (p.Glu969del), but otherwise preserves the integrity of the reading frame.